The following is an entry in ClinVar:

ClinVar aggregate classification (germline): Uncertain significance (1 of 4 stars; one submission).

Conditions:
Autosomal recessive polycystic kidney disease (ARPKD). Also called: AR polycystic kidney disease. Identifiers: Orphanet 731, Orphanet 8378, MedGen C0085548, MeSH D017044, MONDO:0009889.

Submission:

Labcorp Genetics (formerly Invitae), Labcorp
Classification: Uncertain significance for Autosomal recessive polycystic kidney disease. Last evaluated: 2025-11-20. Review status: criteria provided, single submitter. Criteria: Invitae Variant Classification Sherloc (09022015). Collection method: clinical testing. Allele origin: germline.
Comment: This sequence change replaces proline, which is neutral and non-polar, with alanine, which is neutral and non-polar, at codon 1263 of the PKHD1 protein (p.Pro1263Ala). This variant is not present in population databases (gnomAD no frequency). This variant has not been reported in the literature in individuals affected with PKHD1-related conditions. Invitae Evidence Modeling of protein sequence and biophysical properties (such as structural, functional, and spatial information, amino acid conservation, physicochemical variation, residue mobility, and thermodynamic stability) indicates that this missense variant is not expected to disrupt PKHD1 protein function with a negative predictive value of 95%. In summary, the available evidence is currently insufficient to determine the role of this variant in disease. Therefore, it has been classified as a Variant of Uncertain Significance.

NM_138694.4(PKHD1):c.3787C>G (p.Pro1263Ala)

Gene: PKHD1 (PKHD1 ciliary IPT domain containing fibrocystin/polyductin; minus strand). Cytogenetic location: 6p12.2.
Variant type: single nucleotide variant.
Coding change: c.3787C>G on transcript NM_138694.4 (MANE Select); coding-DNA position 3787, C replaced by G.
Protein change: p.Pro1263Ala; replaces proline 1263 with alanine.
Molecular consequence: missense variant.
Genome position (GRCh38, 1-based): chr6:52,026,023, G>C on the plus strand (C>G on the coding strand, the complement: PKHD1 is on the minus strand). VCF-style: chr6-52026023-G-C. GRCh37 (hg19) VCF-style: chr6-51890821-G-C.
Other names: c.3787C>G, p.Pro1263Ala (NM_170724.3); short protein forms P1263A.
Identifiers: ClinVar variation 4770042 (VCV004770042.1).
Genomic context (GRCh38, chr6:52,026,023, plus strand): 5'-AAGGACCACGGGCGAAGAACCTGTTGCCAGCCCAGACCTCCACGGCAGCTGGAACAGTGG[G>C]AGCGCCCGCATCGGGTATCTGGGGGGCTGGCAGGGTTTCACACCAGATGCTCGCCTCCGT-3'
Protein context (NP_619639.3, residues 1253-1273): PAPQIPDAGA[Pro1263Ala]TVPAAVEVWA